The following is an entry in ClinVar:

ClinVar aggregate classification (germline): Pathogenic (1 of 4 stars; one submission).

Submission:

Labcorp Genetics (formerly Invitae), Labcorp
Classification: Pathogenic. Last evaluated: 2022-06-28. Review status: criteria provided, single submitter. Criteria: Invitae Variant Classification Sherloc (09022015). Collection method: clinical testing. Allele origin: germline.
Comment: This sequence change creates a premature translational stop signal (p.Ala4403Profs*12) in the DNHD1 gene. It is expected to result in an absent or disrupted protein product. Loss-of-function variants in DNHD1 are known to be pathogenic (PMID: 34932939). This variant is present in population databases (no rsID available, gnomAD 0.0009%). This variant has not been reported in the literature in individuals affected with DNHD1-related conditions. For these reasons, this variant has been classified as Pathogenic.

Literature cited by the submitters: PubMed 34932939.

NM_144666.3(DNHD1):c.13206del (p.Ala4403fs)

Gene: DNHD1 (dynein heavy chain domain 1; plus strand). Cytogenetic location: 11p15.4.
Variant type: Deletion.
Coding change: c.13206del on transcript NM_144666.3 (MANE Select); coding-DNA position 13206, one base deleted (A; older notation c.13206delA).
Protein change: p.Ala4403fs; shifts the reading frame from alanine 4403.
Molecular consequence: frameshift variant.
Genome position (GRCh38, 1-based): chr11:6,570,718, A deleted; the last of 2 consecutive A bases (chr11:6,570,717-6,570,718); deleting either gives the same sequence. VCF-style (leftmost placement, unchanged base first): chr11-6570716-CA-C. GRCh37 (hg19) VCF-style: chr11-6591946-CA-C.
Other names: short protein forms A4403fs.
Identifiers: ClinVar variation 2066214 (VCV002066214.1), dbSNP rs1214230970, ClinGen allele CA597439342.
Genomic context (GRCh38, chr11:6,570,716, plus strand): 5'-CAGATGCACCTACTGCCCTCACCACCTGAACCCCGGCTCTGCGGACTGAGTGAGGGCCCC[CA>C]AGCCTGGCTGTTGCGACGCCAGAGTCGCGCTCTCTTGAGTGCGCTGCAGCGGAGTTCACC-3'